The following is an entry in ClinVar:

ClinVar aggregate classification (germline): Pathogenic (1 of 4 stars; one submission).

Conditions:
Hereditary cancer-predisposing syndrome. Also called: Neoplastic Syndromes, Hereditary; Tumor predisposition; Hereditary Cancer Syndrome; Hereditary neoplastic syndrome. Identifiers: Orphanet 140162, MedGen C0027672, MeSH D009386, MONDO:0015356.

Submission:

Ambry Genetics
Classification: Pathogenic for Hereditary cancer-predisposing syndrome. Last evaluated: 2026-03-11. Review status: criteria provided, single submitter. Criteria: Ambry Variant Classification Scheme 2023. Collection method: clinical testing. Allele origin: germline.
Comment: The c.284delT pathogenic mutation, located in coding exon 2 of the BRCA2 gene, results from a deletion of one nucleotide at nucleotide position 284, causing a translational frameshift with a predicted alternate stop codon (p.V95Efs*4). This variant is considered to be rare based on population cohorts in the Genome Aggregation Database (gnomAD). This alteration is expected to result in loss of function by premature protein truncation or nonsense-mediated mRNA decay. As such, this alteration is interpreted as a disease-causing mutation.

NM_000059.4(BRCA2):c.284del (p.Val95fs)

Gene: BRCA2 (BRCA2 DNA repair associated; plus strand). Cytogenetic location: 13q13.1.
Variant type: Deletion.
Coding change: c.284del on transcript NM_000059.4 (MANE Select); coding-DNA position 284, one base deleted (T; older notation c.284delT).
Protein change: p.Val95fs; shifts the reading frame from valine 95.
Molecular consequence: frameshift variant. On other transcripts: 5 prime UTR variant (1), non-coding transcript variant (1).
Genome position (GRCh38, 1-based): chr13:32,319,293, T deleted. VCF-style (leftmost placement, unchanged base first): chr13-32319292-GT-G. GRCh37 (hg19) VCF-style: chr13-32893429-GT-G.
Other names: c.-86del (NM_001406722.1); c.284del, p.Val95fs (NM_001432077.1, NM_001406719.1, NM_001406720.1 and 1 more transcripts); short protein forms V95fs.
Identifiers: ClinVar variation 4826888 (VCV004826888.1).